The following is an entry in ClinVar:

NM_016284.5(CNOT1):c.434-2A>T

Gene: CNOT1 (CCR4-NOT transcription complex subunit 1; minus strand). Cytogenetic location: 16q21.
Variant type: single nucleotide variant.
Coding change: c.434-2A>T on transcript NM_016284.5 (MANE Select); the canonical splice acceptor site of the intron before coding-DNA position 434, A replaced by T.
Molecular consequence: splice acceptor variant.
Genome position (GRCh38, 1-based): chr16:58,586,750, T>A on the plus strand (A>T on the coding strand, the complement: CNOT1 is on the minus strand). VCF-style: chr16-58586750-T-A. GRCh37 (hg19) VCF-style: chr16-58620654-T-A.
Other names: c.434-2A>T (NM_001265612.2, NM_206999.3).
Identifiers: ClinVar variation 3365451 (VCV003365451.1).

ClinVar aggregate classification (germline): Likely pathogenic (1 of 4 stars; one submission).

Submission:

GeneDx
Classification: Likely pathogenic. Last evaluated: 2024-04-17. Review status: criteria provided, single submitter. Criteria: GeneDx Variant Classification Process June 2021. Collection method: clinical testing. Allele origin: germline. Affected: yes.
Comment: Canonical splice site variant expected to result in aberrant splicing, although in the absence of functional evidence the actual effect of this sequence change is unknown.; Not observed at significant frequency in large population cohorts (gnomAD); Has not been previously published as pathogenic or benign to our knowledge